The following is an entry in ClinVar:

NM_001195248.2(APTX):c.170A>G (p.Lys57Arg)

Gene: APTX (aprataxin; minus strand). Cytogenetic location: 9p21.1.
Variant type: single nucleotide variant.
Coding change: c.170A>G on transcript NM_001195248.2 (MANE Select); coding-DNA position 170, A replaced by G.
Protein change: p.Lys57Arg; replaces lysine 57 with arginine.
Molecular consequence: missense variant. On other transcripts: 5 prime UTR variant (7), non-coding transcript variant (13), intron variant (5).
Genome position (GRCh38, 1-based): chr9:32,988,093, T>C on the plus strand (A>G on the coding strand, the complement: APTX is on the minus strand). VCF-style: chr9-32988093-T-C. GRCh37 (hg19) VCF-style: chr9-32988091-T-C.
Other names: c.170A>G, p.Lys57Arg (NM_001195249.2, NM_001195251.2, NM_001195252.2 and 7 more transcripts); c.-95A>G (NM_001369002.1, NM_001369003.1, NM_001369005.1 and 4 more transcripts); c.134-362A>G (NM_001369001.1, NM_001369000.1, NM_001195250.2 and 1 more transcripts); c.-84-247A>G (NM_001369004.1); short protein forms K57R.
Identifiers: ClinVar variation 1416910 (VCV001416910.7), dbSNP rs572063713, ClinGen allele CA5022593.
Genomic context (GRCh38, chr9:32,988,093, plus strand): 5'-AGCATAAGAAAATCATCGAGTATAAAATTCCAAGTTATAAATACACCTACCTGCTTTACC[T>C]TGACATATCCCTTGTTACACTCTGCTTTCAACTGTACTGAAAGAGATTGGAAAAAGTTAA-3'
Protein context (NP_001182177.2, residues 47-67): LKAECNKGYV[Lys57Arg]VKQVGVNPTS

ClinVar aggregate classification (germline): Uncertain significance. Review status: criteria provided, multiple submitters, no conflicts (2 of 4 stars). 2 submissions from 2 submitters: Uncertain significance (2). Last evaluated 2025-01-07.

Conditions:
Ataxia, early-onset, with oculomotor apraxia and hypoalbuminemia (EAOH). Also called: ATAXIA-OCULOMOTOR APRAXIA SYNDROME; ATAXIA-TELANGIECTASIA-LIKE SYNDROME; Ataxia-oculomotor apraxia type 1. Identifiers: Orphanet 1168, MedGen C1859598, MONDO:0008842, OMIM 208920.

Allele frequency attached by ClinVar (database versions not stated): gnomAD 0.00001 and 0.00005; TOPMed 0.00001; ExAC 0.00011; 1000 Genomes Project 30x 0.00016; 1000 Genomes Project 0.00020.
gnomAD v4.1: 66 of 1,614,134 alleles (0.0041%); highest among the groups gnomAD compares: Middle Eastern, 0.049%; no homozygotes.

Submissions (2):

Labcorp Genetics (formerly Invitae), Labcorp
Classification: Uncertain significance. Last evaluated: 2025-01-07. Review status: criteria provided, single submitter. Criteria: Invitae Variant Classification Sherloc (09022015). Collection method: clinical testing. Allele origin: germline.
Comment: This sequence change replaces lysine, which is basic and polar, with arginine, which is basic and polar, at codon 57 of the APTX protein (p.Lys57Arg). This variant is present in population databases (rs572063713, gnomAD 0.04%). This variant has not been reported in the literature in individuals affected with APTX-related conditions. ClinVar contains an entry for this variant (Variation ID: 1416910). Invitae Evidence Modeling of protein sequence and biophysical properties (such as structural, functional, and spatial information, amino acid conservation, physicochemical variation, residue mobility, and thermodynamic stability) indicates that this missense variant is not expected to disrupt APTX protein function with a negative predictive value of 80%. In summary, the available evidence is currently insufficient to determine the role of this variant in disease. Therefore, it has been classified as a Variant of Uncertain Significance.

Department of Pathology and Laboratory Medicine, Sinai Health System
Classification: Uncertain significance for ataxia, early-onset, with oculomotor apraxia and hypoalbuminemia. Last evaluated: 2020-05-14. Review status: criteria provided, single submitter. Criteria: ACMG Guidelines, 2015. Collection method: research. Allele origin: germline.